The following is an entry in ClinVar:

NM_173628.4(DNAH17):c.12957C>T (p.Thr4319=)

Gene: DNAH17 (dynein axonemal heavy chain 17; minus strand). Cytogenetic location: 17q25.3.
Variant type: single nucleotide variant.
Coding change: c.12957C>T on transcript NM_173628.4 (MANE Select); coding-DNA position 12957, C replaced by T.
Protein change: p.Thr4319=; no amino-acid change (threonine 4319 retained).
Molecular consequence: synonymous variant.
Genome position (GRCh38, 1-based): chr17:78,425,530, G>A on the plus strand (C>T on the coding strand, the complement: DNAH17 is on the minus strand). VCF-style: chr17-78425530-G-A. GRCh37 (hg19) VCF-style: chr17-76421611-G-A.
Identifiers: ClinVar variation 3025445 (VCV003025445.22), dbSNP rs779129937, ClinGen allele CA8799712.

ClinVar aggregate classification (germline): Likely benign (1 of 4 stars; one submission).

Allele frequency attached by ClinVar (database versions not stated): TOPMed 0.00002; gnomAD exomes 0.00011; gnomAD 0.00016; ExAC 0.00030.
gnomAD v4.1: 187 of 1,613,606 alleles (0.012%); highest among the groups gnomAD compares: East Asian, 0.0067%; no homozygotes.

Submission:

CeGaT Center for Human Genetics Tuebingen
Classification: Likely benign. Last evaluated: 2024-02-01. Review status: criteria provided, single submitter. Criteria: CeGaT Center For Human Genetics Tuebingen Variant Classification Criteria Version 2. Collection method: clinical testing. Allele origin: germline. Affected: yes. Observed: 1 variant allele.
Comment: DNAH17: BP4, BP7